The following is an entry in ClinVar:

NM_001370298.3(FGD4):c.2371G>C (p.Glu791Gln)

Gene: FGD4 (FYVE, RhoGEF and PH domain containing 4; plus strand). Cytogenetic location: 12p11.21.
Variant type: single nucleotide variant.
Coding change: c.2371G>C on transcript NM_001370298.3 (MANE Select); coding-DNA position 2371, G replaced by C.
Protein change: p.Glu791Gln; replaces glutamic acid 791 with glutamine.
Molecular consequence: missense variant.
Genome position (GRCh38, 1-based): chr12:32,638,712, G>C. VCF-style: chr12-32638712-G-C. GRCh37 (hg19) VCF-style: chr12-32791646-G-C.
Other names: c.2215G>C, p.Glu739Gln (NM_001304481.2); c.1216G>C, p.Glu406Gln (NM_001304483.2); c.928G>C, p.Glu310Gln (NM_001304484.2); c.1681G>C, p.Glu561Gln (NM_001330373.2, NM_001330374.2, NM_001384130.1); c.1408G>C, p.Glu470Gln (NM_001370297.1); c.2371G>C, p.Glu791Gln (NM_001384126.1); c.1960G>C, p.Glu654Gln (NM_001384127.1, NM_001384128.1, NM_001385118.1 and 1 more transcripts); short protein forms E406Q, E739Q, E310Q, E470Q, E561Q, E654Q, E791Q.
Identifiers: ClinVar variation 1433984 (VCV001433984.8), dbSNP rs1276989118, ClinGen allele CA384372021.

ClinVar aggregate classification (germline): Uncertain significance (1 of 4 stars; one submission).

Conditions:
Charcot-Marie-Tooth disease type 4. Also called: Charcot-Marie-Tooth disease, type IV; Charcot-Marie-Tooth, Type 4. Identifiers: Orphanet 64749, MedGen C4082197, MONDO:0018995.

Allele frequency attached by ClinVar (database versions not stated): gnomAD exomes below 0.00001.
gnomAD v4.1: 2 of 1,614,138 alleles (0.00012%); highest among the groups gnomAD compares: Non-Finnish European, 0.00017%; no homozygotes.

Submission:

Labcorp Genetics (formerly Invitae), Labcorp
Classification: Uncertain significance for Charcot-Marie-Tooth disease type 4. Last evaluated: 2021-01-01. Review status: criteria provided, single submitter. Criteria: Invitae Variant Classification Sherloc (09022015). Collection method: clinical testing. Allele origin: germline.
Comment: In summary, the available evidence is currently insufficient to determine the role of this variant in disease. Therefore, it has been classified as a Variant of Uncertain Significance. Algorithms developed to predict the effect of missense changes on protein structure and function (SIFT, PolyPhen-2, Align-GVGD) all suggest that this variant is likely to be disruptive, but these predictions have not been confirmed by published functional studies and their clinical significance is uncertain. This variant has not been reported in the literature in individuals with FGD4-related conditions. This variant is not present in population databases (ExAC no frequency). This sequence change replaces glutamic acid with glutamine at codon 654 of the FGD4 protein (p.Glu654Gln). The glutamic acid residue is highly conserved and there is a small physicochemical difference between glutamic acid and glutamine.